The following is an entry in ClinVar:

ClinVar aggregate classification (germline): Uncertain significance. Review status: criteria provided, multiple submitters, no conflicts (2 of 4 stars). 2 submissions from 2 submitters: Uncertain significance (2). Last evaluated 2024-01-24.

Conditions:
Hypomagnesemia, seizures, and impaired intellectual development 1. Also called: Hypomagnesemia, seizures, and intellectual disability 1. Identifiers: Orphanet 34527, MedGen C4225333, MONDO:0020787, OMIM 616418.
Renal hypomagnesemia 6. Identifiers: Orphanet 34527, MedGen C3151295, MONDO:0013480, OMIM 613882.

Submissions (2):

Fulgent Genetics
Classification: Uncertain significance for Renal hypomagnesemia 6; Hypomagnesemia, seizures, and impaired intellectual development 1. Last evaluated: 2024-01-24. Review status: criteria provided, single submitter. Criteria: ACMG Guidelines, 2015. Collection method: clinical testing. Allele origin: germline.

Labcorp Genetics (formerly Invitae), Labcorp
Classification: Uncertain significance. Last evaluated: 2023-06-29. Review status: criteria provided, single submitter. Criteria: Invitae Variant Classification Sherloc (09022015). Collection method: clinical testing. Allele origin: germline.
Comment: ClinVar contains an entry for this variant (Variation ID: 2025946). Advanced modeling of protein sequence and biophysical properties (such as structural, functional, and spatial information, amino acid conservation, physicochemical variation, residue mobility, and thermodynamic stability) performed at Invitae indicates that this missense variant is not expected to disrupt CNNM2 protein function. In summary, the available evidence is currently insufficient to determine the role of this variant in disease. Therefore, it has been classified as a Variant of Uncertain Significance. This variant has not been reported in the literature in individuals affected with CNNM2-related conditions. This variant is not present in population databases (gnomAD no frequency). This sequence change replaces glutamic acid, which is acidic and polar, with aspartic acid, which is acidic and polar, at codon 646 of the CNNM2 protein (p.Glu646Asp).

NM_017649.5(CNNM2):c.1938G>T (p.Glu646Asp)

Gene: CNNM2 (cyclin and CBS domain divalent metal cation transport mediator 2; plus strand). Cytogenetic location: 10q24.32.
Variant type: single nucleotide variant.
Coding change: c.1938G>T on transcript NM_017649.5 (MANE Select); coding-DNA position 1938, G replaced by T.
Protein change: p.Glu646Asp; replaces glutamic acid 646 with aspartic acid.
Molecular consequence: missense variant.
Genome position (GRCh38, 1-based): chr10:103,056,829, G>T. VCF-style: chr10-103056829-G-T. GRCh37 (hg19) VCF-style: chr10-104816586-G-T.
Other names: c.1938G>T, p.Glu646Asp (NM_199076.3); short protein forms E646D.
Identifiers: ClinVar variation 2025946 (VCV002025946.5), dbSNP rs12781440, ClinGen allele CA377959921.